The following is an entry in ClinVar:

NM_152381.6(XIRP2):c.9253G>A (p.Ala3085Thr)

Gene: XIRP2 (xin actin binding repeat containing 2; plus strand). Cytogenetic location: 2q24.3.
Variant type: single nucleotide variant.
Coding change: c.9253G>A on transcript NM_152381.6 (MANE Select); coding-DNA position 9253, G replaced by A.
Protein change: p.Ala3085Thr; replaces alanine 3085 with threonine.
Molecular consequence: missense variant. On other transcripts: intron variant (3).
Genome position (GRCh38, 1-based): chr2:167,250,645, G>A. VCF-style: chr2-167250645-G-A. GRCh37 (hg19) VCF-style: chr2-168107155-G-A.
Other names: NC_000002.11:g.168107155G>A; c.8587G>A, p.Ala2863Thr (NM_001199144.2); c.1276-3387G>A (NM_001199143.2); c.1177-3387G>A (NM_001079810.4); c.511-3387G>A (NM_001199145.2); short protein forms A2863T, A3085T.
Identifiers: ClinVar variation 3055785 (VCV003055785.3), dbSNP rs16853331, ClinGen allele CA1947981.
Genomic context (GRCh38, chr2:167,250,645, plus strand): 5'-AAAAATAGTGAACAGAAAGAAAATAAAATTGCCAAAGAGAAAACAGTACAGCACCAAGTA[G>A]CAGCTCATCATGAAGCAACTGTTCGTAGTCACGTGAAAACCCATCAGGAAATTAAACTTG-3'
Protein context (NP_689594.4, residues 3075-3095): AKEKTVQHQV[Ala3085Thr]AHHEATVRSH

ClinVar aggregate classification (germline): Benign (0 of 4 stars; one submission).

Conditions:
XIRP2-related disorder. Also called: XIRP2-related condition.

Allele frequency attached by ClinVar (database versions not stated): gnomAD exomes 0.12349; ExAC 0.14851; ESP Exome Variant Server 0.16504; gnomAD 0.17313; TOPMed 0.17561; 1000 Genomes Project 30x 0.19816; 1000 Genomes Project 0.19828.

Submissions (3):

PreventionGenetics, part of Exact Sciences
Classification: Benign for XIRP2-related condition. Last evaluated: 2019-11-06. Review status: no assertion criteria provided. Collection method: clinical testing. Allele origin: germline.
Comment: This variant is classified as benign based on ACMG/AMP sequence variant interpretation guidelines (Richards et al. 2015 PMID: 25741868, with internal and published modifications).

Dr. Peter K. Rogan Lab, Western University
No classification provided (evidence only). Condition: Uterine carcinosarcoma. Review status: no classification provided. Collection method: in vitro. Allele origin: not applicable. Functional consequence: retained intron. Not counted in ClinVar's aggregate classification.

Dr. Peter K. Rogan Lab, Western University
No classification provided (evidence only). Condition: Uterine carcinosarcoma. Review status: no classification provided. Collection method: in vitro. Allele origin: not applicable. Functional consequence: retained intron. Not counted in ClinVar's aggregate classification.